The following is an entry in ClinVar:

NM_000426.4(LAMA2):c.100C>T (p.His34Tyr)

Gene: LAMA2 (laminin subunit alpha 2; plus strand). Cytogenetic location: 6q22.33.
Variant type: single nucleotide variant.
Coding change: c.100C>T on transcript NM_000426.4 (MANE Select); coding-DNA position 100, C replaced by T.
Protein change: p.His34Tyr; replaces histidine 34 with tyrosine.
Molecular consequence: missense variant.
Genome position (GRCh38, 1-based): chr6:128,883,345, C>T. VCF-style: chr6-128883345-C-T. GRCh37 (hg19) VCF-style: chr6-129204490-C-T.
Other names: c.100C>T, p.His34Tyr (NM_001079823.2); short protein forms H34Y.
Identifiers: ClinVar variation 1980787 (VCV001980787.1), dbSNP rs374090280, ClinGen allele CA3992210.

ClinVar aggregate classification (germline): Uncertain significance (1 of 4 stars; one submission).

Conditions:
LAMA2-related muscular dystrophy (LAMA2-RD). Also called: Laminin alpha 2-related dystrophy. Identifiers: MedGen C5679788, MONDO:0100228.

Allele frequency attached by ClinVar (database versions not stated): gnomAD exomes below 0.00001; ExAC 0.00002; ESP Exome Variant Server 0.00008.
gnomAD v4.1: 1 of 1,598,056 alleles (0.000063%); highest among the groups gnomAD compares: Non-Finnish European, 0.000085%; no homozygotes.

Submission:

Labcorp Genetics (formerly Invitae), Labcorp
Classification: Uncertain significance for LAMA2-related muscular dystrophy. Last evaluated: 2022-05-12. Review status: criteria provided, single submitter. Criteria: Invitae Variant Classification Sherloc (09022015). Collection method: clinical testing. Allele origin: germline.
Comment: This sequence change replaces histidine, which is basic and polar, with tyrosine, which is neutral and polar, at codon 34 of the LAMA2 protein (p.His34Tyr). The frequency data for this variant in the population databases is considered unreliable, as metrics indicate poor data quality at this position in the gnomAD database. This variant has not been reported in the literature in individuals affected with LAMA2-related conditions. Advanced modeling of protein sequence and biophysical properties (such as structural, functional, and spatial information, amino acid conservation, physicochemical variation, residue mobility, and thermodynamic stability) performed at Invitae indicates that this missense variant is not expected to disrupt LAMA2 protein function. In summary, the available evidence is currently insufficient to determine the role of this variant in disease. Therefore, it has been classified as a Variant of Uncertain Significance.